The following is an entry in ClinVar:

NM_001369.3(DNAH5):c.4390C>T (p.Gln1464Ter)

Genes: DNAH5-AS1 (DNAH5 antisense RNA 1; plus strand), DNAH5 (dynein axonemal heavy chain 5; minus strand). Cytogenetic location: 5p15.2.
Variant type: single nucleotide variant.
Coding change: c.4390C>T on transcript NM_001369.3 (MANE Select); coding-DNA position 4390, C replaced by T.
Protein change: p.Gln1464Ter; replaces glutamine 1464 with a stop codon.
Molecular consequence: nonsense.
Genome position (GRCh38, 1-based): chr5:13,864,603, G>A on the plus strand (C>T on the coding strand, the complement: DNAH5 is on the minus strand). VCF-style: chr5-13864603-G-A. GRCh37 (hg19) VCF-style: chr5-13864712-G-A.
Other names: short protein forms Q1464*.
Identifiers: ClinVar variation 5010816 (VCV005010816.1).

ClinVar aggregate classification (germline): Pathogenic (1 of 4 stars; one submission).

Conditions:
Primary ciliary dyskinesia 3. Identifiers: Orphanet 244, MedGen C1837618, MONDO:0012085, OMIM 608644.

gnomAD v4.1: 1 of 1,614,128 alleles (0.000062%); highest among the groups gnomAD compares: Non-Finnish European, 0.000085%; no homozygotes.

Submission:

Myriad Genetics, Inc.
Classification: Pathogenic for Primary ciliary dyskinesia 3. Last evaluated: 2024-05-14. Review status: criteria provided, single submitter. Criteria: Myriad Autosomal Dominant, Autosomal Recessive and X-Linked Classification Criteria (2023). Collection method: clinical testing. Allele origin: unknown.
Comment: NM_001369.2(DNAH5):c.4390C>T(Q1464*) is expected to be pathogenic in the context of primary ciliary dyskinesia, DNAH5-related. This variant is predicted to lead to an abnormal or absent protein product due to the creation of a premature termination codon in DNAH5, a gene where loss-of-function variants are known to be pathogenic. Please note: this variant was assessed in the context of healthy population screening.